The following is an entry in ClinVar:

ClinVar aggregate classification (germline): Uncertain significance (1 of 4 stars; one submission).

Conditions:
Left ventricular noncompaction 8 (LVNC8). Identifiers: Orphanet 154, Orphanet 54260, MedGen C3809288, MONDO:0014152, OMIM 615373.

Allele frequency attached by ClinVar (database versions not stated): gnomAD exomes 0.00001; ExAC 0.00002.
gnomAD v4.1: 18 of 1,612,894 alleles (0.0011%); highest among the groups gnomAD compares: South Asian, 0.0022%; no homozygotes.

Submission:

Labcorp Genetics (formerly Invitae), Labcorp
Classification: Uncertain significance for Left ventricular noncompaction 8. Last evaluated: 2022-02-27. Review status: criteria provided, single submitter. Criteria: Invitae Variant Classification Sherloc (09022015). Collection method: clinical testing. Allele origin: germline.
Comment: In summary, the available evidence is currently insufficient to determine the role of this variant in disease. Therefore, it has been classified as a Variant of Uncertain Significance. Algorithms developed to predict the effect of missense changes on protein structure and function are either unavailable or do not agree on the potential impact of this missense change (SIFT: "Deleterious"; PolyPhen-2: "Benign"; Align-GVGD: "Class C0"). This variant has not been reported in the literature in individuals affected with PRDM16-related conditions. This variant is present in population databases (rs777374351, gnomAD 0.006%). This sequence change replaces glutamic acid, which is acidic and polar, with lysine, which is basic and polar, at codon 35 of the PRDM16 protein (p.Glu35Lys).

NM_022114.4(PRDM16):c.103G>A (p.Glu35Lys)

Gene: PRDM16 (PR/SET domain 16; plus strand). Cytogenetic location: 1p36.32.
Variant type: single nucleotide variant.
Coding change: c.103G>A on transcript NM_022114.4 (MANE Select); coding-DNA position 103, G replaced by A.
Protein change: p.Glu35Lys; replaces glutamic acid 35 with lysine.
Molecular consequence: missense variant.
Genome position (GRCh38, 1-based): chr1:3,186,190, G>A. VCF-style: chr1-3186190-G-A. GRCh37 (hg19) VCF-style: chr1-3102754-G-A.
Other names: c.103G>A, p.Glu35Lys (NM_199454.3); short protein forms E35K.
Identifiers: ClinVar variation 2413451 (VCV002413451.6), dbSNP rs777374351, ClinGen allele CA543703.